The following is an entry in ClinVar:

NM_000257.4(MYH7):c.503-8C>G

Gene: MYH7 (myosin heavy chain 7; minus strand). Cytogenetic location: 14q11.2.
Variant type: single nucleotide variant.
Coding change: c.503-8C>G on transcript NM_000257.4 (MANE Select); 8 bases into the intron before coding-DNA position 503, C replaced by G.
Molecular consequence: intron variant.
Genome position (GRCh38, 1-based): chr14:23,432,514, G>C on the plus strand (C>G on the coding strand, the complement: MYH7 is on the minus strand). VCF-style: chr14-23432514-G-C. GRCh37 (hg19) VCF-style: chr14-23901723-G-C.
Identifiers: ClinVar variation 132938 (VCV000132938.3), dbSNP rs606231313, ClinGen allele CA015612.

ClinVar aggregate classification (germline): Uncertain significance. Review status: criteria provided, single submitter (1 of 4 stars). 2 submissions from 2 submitters: Uncertain significance (1). 1 of the submissions does not count toward it. Last evaluated 2023-04-03.

Conditions:
Familial cardiomyopathy. Identifiers: MedGen C0264789, MONDO:0005217.
Cardiomyopathy (CMYO). Also called: Cardiomyopathies. Identifiers: Orphanet 167848, MedGen C0878544, MONDO:0004994, HP:0001638. Inheritance: Various modes of inheritance.

Submissions (2):

All of Us Research Program, National Institutes of Health
Classification: Uncertain significance for Cardiomyopathy. Last evaluated: 2023-04-03. Review status: criteria provided, single submitter. Criteria: ACMG Guidelines, 2015. Collection method: clinical testing. Allele origin: germline. Inheritance: Autosomal dominant inheritance. Observed: 1 variant allele, 1 heterozygote.
Comment: This variant causes a C to G nucleotide substitution at the -8 position of intron 5 of the MYH7 gene. To our knowledge, functional studies have not been reported for this variant. This variant has not been reported in individuals affected with MYH7-related disorders in the literature. This variant has not been identified in the general population by the Genome Aggregation Database (gnomAD). The available evidence is insufficient to determine the role of this variant in disease conclusively. Therefore, this variant is classified as a Variant of Uncertain Significance.

This study involves interpretation of variants in research participants for the purpose of population health screening. Participant phenotype was not available at the time of variant classification. Additional details can be found in publication PMID: 35346344, PMCID: PMC8962531

Evolutionary and Medical Genetics Laboratory,  Centre for Cellular and Molecular Biology
Classification: Uncertain significance. Review status: no assertion criteria provided. Collection method: not provided. Allele origin: germline. Not counted in ClinVar's aggregate classification.
ClinVar note: Converted during submission from unknown to Uncertain significance.